The following is an entry in ClinVar:

ClinVar aggregate classification (germline): Conflicting classifications of pathogenicity. Review status: criteria provided, conflicting classifications (1 of 4 stars). 9 submissions from 9 submitters: Uncertain significance (1); Benign (4); Likely benign (2). 2 of the submissions do not count toward it. Last evaluated 2026-03-26.

Conditions:
Ataxia-telangiectasia-like disorder (ATLD). Identifiers: MedGen C1858391, MONDO:0011457.
Hereditary cancer-predisposing syndrome. Also called: Neoplastic Syndromes, Hereditary; Hereditary Cancer Syndrome; Tumor predisposition; Hereditary neoplastic syndrome. Identifiers: Orphanet 140162, MedGen C0027672, MeSH D009386, MONDO:0015356.
Ataxia-telangiectasia-like disorder 1 (ATLD1). Identifiers: Orphanet 251347, MedGen C4012790, MONDO:0024557, OMIM 604391.

Submissions (21):

Dasa
Classification: Uncertain significance. Last evaluated: 2026-03-26. Review status: criteria provided, single submitter. Criteria: DASA Assertion Criteria. Collection method: clinical testing. Allele origin: germline.
Comment: NM_005591.4(MRE11):c.315-4del is a splice-region variant. This classification is supported by population frequency inconsistent with a disease-causing role. The currently available literature and clinical evidence are not sufficient to establish a definitive association between this variant and the reported condition. Therefore, this variant is classified as a variant of uncertain significance.

Blueprint Genetics
Classification: Likely benign. Last evaluated: 2024-10-07. Review status: criteria provided, single submitter. Criteria: ACMG Guidelines, 2015. Collection method: clinical testing. Allele origin: germline.

Labcorp Genetics (formerly Invitae), Labcorp
Classification: Benign for Ataxia-telangiectasia-like disorder. Last evaluated: 2024-03-20. Review status: criteria provided, single submitter. Criteria: Invitae Variant Classification Sherloc (09022015). Collection method: clinical testing. Allele origin: germline.

Sema4
Classification: Benign for Hereditary cancer-predisposing syndrome. Last evaluated: 2021-10-01. Review status: criteria provided, single submitter. Criteria: Sema4 Curation Guidelines. Collection method: curation. Allele origin: germline.

Women's Health and Genetics/Laboratory Corporation of America, LabCorp
Classification: Benign. Last evaluated: 2016-05-06. Review status: criteria provided, single submitter. Criteria: LabCorp Variant Classification Summary - May 2015. Collection method: clinical testing. Allele origin: germline.
Comment: Variant summary: The MRE11A variant, c.315-4delT is located at a non-conserved intronic position with 4/5 splice-site algorithms via Alamut predict no significant effect on splicing, although these predictions have yet to be functionally assessed. The variant of interest was observed in the large, broad control population, ExAC, with an allele frequency of 3301/84106 (1/25), which significantly exceeds the estimated maximum expected allele frequency for a pathogenic MRE11A variant of 1/16000. In addition, a reputable clinical laboratory cites the variant as "benign." Therefore, the variant of interest is classified as Benign.

Genome Diagnostics Laboratory, University Medical Center Utrecht
Classification: Likely benign for Ataxia-telangiectasia-like disorder 1. Last evaluated: 2014-10-09. Review status: criteria provided, single submitter. Criteria: ACGS Guidelines, 2013. Collection method: clinical testing. Allele origin: germline. Affected: yes. Study: VKGL Data-share Consensus.

Ambry Genetics
Classification: Benign for Hereditary cancer-predisposing syndrome. Last evaluated: 2013-08-05. Review status: criteria provided, single submitter. Criteria: Ambry Autosomal Dominant and X-Linked criteria (10/2015). Collection method: clinical testing. Allele origin: germline. Observed: 1 variant allele.
Comment: Internal frequency is too high to be a pathogenic mutation based on disease/syndrome prevalence and penetrance

Genome Diagnostics Laboratory, Amsterdam University Medical Center
Classification: Benign for Ataxia-telangiectasia-like disorder 1. Last evaluated: 2016-10-21. Review status: no assertion criteria provided. Criteria: ACGS Guidelines, 2013. Collection method: clinical testing. Allele origin: germline. Affected: yes. Study: VKGL Data-share Consensus. Not counted in ClinVar's aggregate classification.

Counsyl
Classification: Benign for Ataxia-telangiectasia-like disorder 1. Last evaluated: 2016-06-08. Review status: no assertion criteria provided. Collection method: clinical testing. Allele origin: unknown. Not counted in ClinVar's aggregate classification.

Dr. Peter K. Rogan Lab, Western University
No classification provided (evidence only). Condition: Cervical cancer. Review status: no classification provided. Collection method: in vitro. Allele origin: not applicable. Functional consequence: skipped exon. Not counted in ClinVar's aggregate classification.

Dr. Peter K. Rogan Lab, Western University
No classification provided (evidence only). Condition: Malignant lymphoma, large B-cell, diffuse. Review status: no classification provided. Collection method: in vitro. Allele origin: not applicable. Functional consequence: retained intron. Not counted in ClinVar's aggregate classification.

Dr. Peter K. Rogan Lab, Western University
No classification provided (evidence only). Condition: Malignant lymphoma, large B-cell, diffuse. Review status: no classification provided. Collection method: in vitro. Allele origin: not applicable. Functional consequence: retained intron. Not counted in ClinVar's aggregate classification.

Dr. Peter K. Rogan Lab, Western University
No classification provided (evidence only). Condition: Malignant lymphoma, large B-cell, diffuse. Review status: no classification provided. Collection method: in vitro. Allele origin: not applicable. Functional consequence: retained intron. Not counted in ClinVar's aggregate classification.

Dr. Peter K. Rogan Lab, Western University
No classification provided (evidence only). Condition: Malignant lymphoma, large B-cell, diffuse. Review status: no classification provided. Collection method: in vitro. Allele origin: not applicable. Functional consequence: retained intron. Not counted in ClinVar's aggregate classification.

Dr. Peter K. Rogan Lab, Western University
No classification provided (evidence only). Condition: Gastric cancer. Review status: no classification provided. Collection method: in vitro. Allele origin: not applicable. Functional consequence: retained intron. Not counted in ClinVar's aggregate classification.

Dr. Peter K. Rogan Lab, Western University
No classification provided (evidence only). Condition: Gastric cancer. Review status: no classification provided. Collection method: in vitro. Allele origin: not applicable. Functional consequence: retained intron. Not counted in ClinVar's aggregate classification.

Dr. Peter K. Rogan Lab, Western University
No classification provided (evidence only). Condition: Gastric cancer. Review status: no classification provided. Collection method: in vitro. Allele origin: not applicable. Functional consequence: retained intron. Not counted in ClinVar's aggregate classification.

Dr. Peter K. Rogan Lab, Western University
No classification provided (evidence only). Condition: Uterine corpus endometrial carcinoma. Review status: no classification provided. Collection method: in vitro. Allele origin: not applicable. Functional consequence: skipped exon. Not counted in ClinVar's aggregate classification.

Dr. Peter K. Rogan Lab, Western University
No classification provided (evidence only). Condition: Uterine corpus endometrial carcinoma. Review status: no classification provided. Collection method: in vitro. Allele origin: not applicable. Functional consequence: skipped exon, retained intron. Not counted in ClinVar's aggregate classification.

Dr. Peter K. Rogan Lab, Western University
No classification provided (evidence only). Condition: Malignant tumor of esophagus. Review status: no classification provided. Collection method: in vitro. Allele origin: not applicable. Functional consequence: skipped exon. Not counted in ClinVar's aggregate classification.

Dr. Peter K. Rogan Lab, Western University
No classification provided (evidence only). Condition: Malignant tumor of esophagus. Review status: no classification provided. Collection method: in vitro. Allele origin: not applicable. Functional consequence: skipped exon. Not counted in ClinVar's aggregate classification.

Literature cited by the submitters: PubMed 19383352 (cited by Counsyl).

NM_005591.4(MRE11):c.315-4del

Gene: MRE11 (MRE11 double strand break repair nuclease; minus strand). Cytogenetic location: 11q21.
Variant type: Deletion.
Coding change: c.315-4del on transcript NM_005591.4 (MANE Select); 4 bases into the intron before coding-DNA position 315, one base deleted (T; older notation c.315-4delT).
Molecular consequence: intron variant.
Genome position (GRCh38, 1-based): chr11:94,479,765, A deleted on the plus strand (T on the coding strand, the reverse complement: MRE11 is on the minus strand); the first of 11 consecutive A bases (chr11:94,479,765-94,479,775); deleting any one gives the same sequence. VCF-style (leftmost placement, unchanged base first): chr11-94479764-TA-T. GRCh37 (hg19) VCF-style: chr11-94212930-TA-T.
Other names: NC_000011.9:g.94212941del; c.315-4del (NM_001330347.2, NM_005590.4); c.315-14del (NM_005591.4); c.315-4delT (NM_005591.3).
Identifiers: ClinVar variation 140809 (VCV000140809.22), dbSNP rs35062043, ClinGen allele CA163625.